The following is an entry in ClinVar:

NM_000478.6(ALPL):c.997G>T (p.Gly333Ter)

Gene: ALPL (alkaline phosphatase, biomineralization associated; plus strand). Cytogenetic location: 1p36.12.
Variant type: single nucleotide variant.
Coding change: c.997G>T on transcript NM_000478.6 (MANE Select); coding-DNA position 997, G replaced by T.
Protein change: p.Gly333Ter; replaces glycine 333 with a stop codon.
Molecular consequence: nonsense.
Genome position (GRCh38, 1-based): chr1:21,573,799, G>T. VCF-style: chr1-21573799-G-T. GRCh37 (hg19) VCF-style: chr1-21900292-G-T.
Other names: c.832G>T, p.Gly278Ter (NM_001127501.4); c.766G>T, p.Gly256Ter (NM_001177520.3); c.997G>T, p.Gly333Ter (NM_001369803.2, NM_001369804.2, NM_001369805.2); short protein forms G256*, G278*, G333*.
Identifiers: ClinVar variation 1074643 (VCV001074643.9), dbSNP rs2148184880, ClinGen allele CA338880448.

ClinVar aggregate classification (germline): Pathogenic/Likely pathogenic. Review status: criteria provided, multiple submitters, no conflicts (2 of 4 stars). 3 submissions from 3 submitters: Pathogenic (1); Likely pathogenic (2). Last evaluated 2025-03-25.

Conditions:
Adult hypophosphatasia. Identifiers: Orphanet 247676, Orphanet 436, MedGen C0268413, MONDO:1010154, OMIM 146300, MONDO:0007798.
Childhood hypophosphatasia. Identifiers: Orphanet 247667, Orphanet 436, MedGen C0220743, MONDO:1010168, OMIM 241510, MONDO:0009428.
Infantile hypophosphatasia. Identifiers: Orphanet 247651, Orphanet 436, MedGen C0268412, MONDO:1010169, OMIM 241500, MONDO:0009427.

gnomAD v4.1: 1 of 1,614,180 alleles (0.000062%); highest among the groups gnomAD compares: African/African-American, 0.0013%; no homozygotes.

Submissions (3):

First Genomix Gene Laboratory, Genetic Diagnostics Department
Classification: Likely pathogenic for Adult hypophosphatasia; Childhood hypophosphatasia; Infantile hypophosphatasia. Last evaluated: 2025-03-25. Review status: criteria provided, single submitter. Criteria: ACMG Guidelines, 2015. Collection method: clinical testing. Allele origin: germline. Inheritance: Autosomal recessive inheritance. Affected: no. Observed: 1 variant allele.

Baylor Genetics
Classification: Likely pathogenic for Adult hypophosphatasia. Last evaluated: 2022-06-13. Review status: criteria provided, single submitter. Criteria: ACMG Guidelines, 2015. Collection method: clinical testing. Allele origin: unknown.

Labcorp Genetics (formerly Invitae), Labcorp
Classification: Pathogenic. Last evaluated: 2020-08-20. Review status: criteria provided, single submitter. Criteria: Invitae Variant Classification Sherloc (09022015). Collection method: clinical testing. Allele origin: germline.
Comment: For these reasons, this variant has been classified as Pathogenic. Loss-of-function variants in ALPL are known to be pathogenic (PMID: 3174660, 10679946, 19500388). This variant has not been reported in the literature in individuals with ALPL-related conditions. This variant is not present in population databases (ExAC no frequency). This sequence change creates a premature translational stop signal (p.Gly333*) in the ALPL gene. It is expected to result in an absent or disrupted protein product.

Literature cited by the submitters: PubMed 3174660 (cited by Labcorp Genetics (formerly Invitae), Labcorp); PubMed 10679946 (cited by Labcorp Genetics (formerly Invitae), Labcorp); PubMed 19500388 (cited by Labcorp Genetics (formerly Invitae), Labcorp).